The following is an entry in ClinVar:

NM_001611.5(ACP5):c.520A>G (p.Arg174Gly)

Gene: ACP5 (acid phosphatase 5, tartrate resistant; minus strand). Cytogenetic location: 19p13.2.
Variant type: single nucleotide variant.
Coding change: c.520A>G on transcript NM_001611.5 (MANE Select); coding-DNA position 520, A replaced by G.
Protein change: p.Arg174Gly; replaces arginine 174 with glycine.
Molecular consequence: missense variant.
Genome position (GRCh38, 1-based): chr19:11,576,458, T>C on the plus strand (A>G on the coding strand, the complement: ACP5 is on the minus strand). VCF-style: chr19-11576458-T-C. GRCh37 (hg19) VCF-style: chr19-11687273-T-C.
Other names: c.520A>G, p.Arg174Gly (NM_001111035.3, NM_001111036.3, NM_001111034.3 and 1 more transcripts); short protein forms R174G.
Identifiers: ClinVar variation 2166057 (VCV002166057.4), dbSNP rs866992772, ClinGen allele CA305358949.

ClinVar aggregate classification (germline): Uncertain significance (1 of 4 stars; one submission).

Conditions:
Spondyloenchondrodysplasia with immune dysregulation (SPENCDI). Also called: ROIFMAN IMMUNOSKELETAL SYNDROME; SPONDYLOENCHONDRODYSPLASIA WITH OR WITHOUT IMMUNE DYSREGULATION; COMBINED IMMUNODEFICIENCY WITH AUTOIMMUNITY AND SPONDYLOMETAPHYSEAL DYSPLASIA. Identifiers: Orphanet 1855, MedGen C1842763, MONDO:0011939, OMIM 607944.

Allele frequency attached by ClinVar (database versions not stated): gnomAD exomes below 0.00001; TOPMed 0.00002; gnomAD 0.00003.
gnomAD v4.1: 10 of 1,613,986 alleles (0.00062%); highest among the groups gnomAD compares: African/African-American, 0.013%; no homozygotes.

Submission:

Labcorp Genetics (formerly Invitae), Labcorp
Classification: Uncertain significance for Spondyloenchondrodysplasia with immune dysregulation. Last evaluated: 2022-02-05. Review status: criteria provided, single submitter. Criteria: Invitae Variant Classification Sherloc (09022015). Collection method: clinical testing. Allele origin: germline.
Comment: This variant is present in population databases (no rsID available, gnomAD 0.03%). This sequence change replaces arginine, which is basic and polar, with glycine, which is neutral and non-polar, at codon 174 of the ACP5 protein (p.Arg174Gly). This variant has not been reported in the literature in individuals affected with ACP5-related conditions. In summary, the available evidence is currently insufficient to determine the role of this variant in disease. Therefore, it has been classified as a Variant of Uncertain Significance. Algorithms developed to predict the effect of missense changes on protein structure and function are either unavailable or do not agree on the potential impact of this missense change (SIFT: "Not Available"; PolyPhen-2: "Benign"; Align-GVGD: "Not Available").